The following is an entry in ClinVar:

ClinVar aggregate classification (germline): Uncertain significance. Review status: criteria provided, multiple submitters, no conflicts (2 of 4 stars). 2 submissions from 2 submitters: Uncertain significance (2). Last evaluated 2025-10-23.

Submissions (2):

Labcorp Genetics (formerly Invitae), Labcorp
Classification: Uncertain significance. Last evaluated: 2025-10-23. Review status: criteria provided, single submitter. Criteria: Invitae Variant Classification Sherloc (09022015). Collection method: clinical testing. Allele origin: germline.
Comment: This sequence change replaces valine, which is neutral and non-polar, with leucine, which is neutral and non-polar, at codon 140 of the ICOSLG protein (p.Val140Leu). This variant is present in population databases (rs755328093, gnomAD 0.003%). This variant has not been reported in the literature in individuals affected with ICOSLG-related conditions. ClinVar contains an entry for this variant (Variation ID: 1014935). An algorithm developed to predict the effect of missense changes on protein structure and function outputs the following: PolyPhen-2: "Benign". The leucine amino acid residue is found in multiple mammalian species, which suggests that this missense change does not adversely affect protein function. In summary, the available evidence is currently insufficient to determine the role of this variant in disease. Therefore, it has been classified as a Variant of Uncertain Significance.

Ambry Genetics
Classification: Uncertain significance. Last evaluated: 2022-06-28. Review status: criteria provided, single submitter. Criteria: Ambry Variant Classification Scheme 2023. Collection method: clinical testing. Allele origin: germline.

NM_015259.6(ICOSLG):c.418G>T (p.Val140Leu)

Gene: ICOSLG (inducible T cell costimulator ligand; minus strand). Cytogenetic location: 21q22.3.
Variant type: single nucleotide variant.
Coding change: c.418G>T on transcript NM_015259.6 (MANE Select); coding-DNA position 418, G replaced by T.
Protein change: p.Val140Leu; replaces valine 140 with leucine.
Molecular consequence: missense variant.
Genome position (GRCh38, 1-based): chr21:44,235,551, C>A on the plus strand (G>T on the coding strand, the complement: ICOSLG is on the minus strand). VCF-style: chr21-44235551-C-A. GRCh37 (hg19) VCF-style: chr21-45655434-C-A.
Other names: c.418G>T (NM_015259.4); c.418G>T, p.Val140Leu (NM_001283050.2); c.67G>T, p.Val23Leu (NM_001283051.2); c.163G>T, p.Val55Leu (NM_001283052.2); c.337G>T, p.Val113Leu (NM_001365759.2); short protein forms V113L, V140L, V23L, V55L.
Identifiers: ClinVar variation 1014935 (VCV001014935.7), dbSNP rs755328093, ClinGen allele CA321497355.